The following is an entry in ClinVar:

NM_002609.4(PDGFRB):c.250G>A (p.Val84Met)

Gene: PDGFRB (platelet derived growth factor receptor beta; minus strand). Cytogenetic location: 5q32.
Variant type: single nucleotide variant.
Coding change: c.250G>A on transcript NM_002609.4 (MANE Select); coding-DNA position 250, G replaced by A.
Protein change: p.Val84Met; replaces valine 84 with methionine.
Molecular consequence: missense variant. On other transcripts: 5 prime UTR variant (1).
Genome position (GRCh38, 1-based): chr5:150,135,669, C>T on the plus strand (G>A on the coding strand, the complement: PDGFRB is on the minus strand). VCF-style: chr5-150135669-C-T. GRCh37 (hg19) VCF-style: chr5-149515232-C-T.
Other names: c.250G>A (NM_002609.3); c.58G>A, p.Val20Met (NM_001355016.2); c.-268G>A (NM_001355017.2); short protein forms V20M, V84M.
Identifiers: ClinVar variation 2041587 (VCV002041587.6), dbSNP rs80162387, ClinGen allele CA3508380.
Genomic context (GRCh38, chr5:150,135,669, plus strand): 5'-CATTGTGGGTGCAAAAGTATTCTCCCGTGTCTAGCCCAGTGAGGTTGGTCAGTGTGAGCA[C>T]GCTGGAGAAGGTGCCATCCTGGGCCTTGGCCATTTCCTGTGGGGGCTCCTGGGACATCCG-3'
Protein context (NP_002600.1, residues 74-94): AKAQDGTFSS[Val84Met]LTLTNLTGLD

ClinVar aggregate classification (germline): Benign. Review status: criteria provided, single submitter (1 of 4 stars). 2 submissions from 2 submitters: Benign (1). 1 of the submissions does not count toward it. Last evaluated 2025-09-30.

Conditions:
PDGFRB-related disorder. Also called: PDGFRB-related condition.
Infantile myofibromatosis (IMF). Also called: Congenital generalized fibromatosis. Identifiers: Orphanet 2591, MedGen C0432284, MONDO:0016824.
Skeletal overgrowth-craniofacial dysmorphism-hyperelastic skin-white matter lesions syndrome. Also called: SKELETAL OVERGROWTH WITH FACIAL DYSMORPHISM, HYPERELASTIC SKIN, WHITE MATTER LESIONS, AND NEUROLOGIC DETERIORATION; Kosaki overgrowth syndrome. Identifiers: Orphanet 477831, MedGen C4225270, MONDO:0014704, OMIM 616592.
Acroosteolysis-keloid-like lesions-premature aging syndrome. Also called: Premature aging syndrome, Penttinen type; Prematurely aged appearance, delayed bone maturation, acro-osteolysis, and brachydactyly; Progeroid syndrome, Penttinen type. Identifiers: Orphanet 363665, MedGen C1866182, MONDO:0011150, OMIM 601812.
Basal ganglia calcification, idiopathic, 4 (PFBC4). Also called: Familial Idiopathic Basal Ganglia Calcification 4; PRIMARY FAMILIAL BRAIN CALCIFICATION 4, AUTOSOMAL DOMINANT. Identifiers: Orphanet 1980, MedGen C3554321, MONDO:0014004, OMIM 615007.

Allele frequency attached by ClinVar (database versions not stated): TOPMed 0.00009; gnomAD 0.00015; ESP Exome Variant Server 0.00008; 1000 Genomes Project 0.00020; 1000 Genomes Project 30x 0.00016; gnomAD exomes 0.00019; ExAC 0.00034.
gnomAD v4.1: 288 of 1,614,012 alleles (0.018%); highest among the groups gnomAD compares: East Asian, 0.28%; 4 homozygotes.

Submissions (2):

Labcorp Genetics (formerly Invitae), Labcorp
Classification: Benign for Basal ganglia calcification, idiopathic, 4; Skeletal overgrowth-craniofacial dysmorphism-hyperelastic skin-white matter lesions syndrome; Infantile myofibromatosis; Acroosteolysis-keloid-like lesions-premature aging syndrome. Last evaluated: 2025-09-30. Review status: criteria provided, single submitter. Criteria: Invitae Variant Classification Sherloc (09022015). Collection method: clinical testing. Allele origin: germline.

PreventionGenetics, part of Exact Sciences
Classification: Likely benign for PDGFRB-related condition. Last evaluated: 2019-02-28. Review status: no assertion criteria provided. Collection method: clinical testing. Allele origin: germline. Not counted in ClinVar's aggregate classification.
Comment: This variant is classified as likely benign based on ACMG/AMP sequence variant interpretation guidelines (Richards et al. 2015 PMID: 25741868, with internal and published modifications).